The following is an entry in ClinVar:

ClinVar aggregate classification (germline): Uncertain significance (1 of 4 stars; one submission).

gnomAD v4.1: 5 of 1,614,070 alleles (0.00031%); highest among the groups gnomAD compares: Non-Finnish European, 0.00042%; no homozygotes.

Submission:

Ambry Genetics
Classification: Uncertain significance. Last evaluated: 2024-04-19. Review status: criteria provided, single submitter. Criteria: Ambry Variant Classification Scheme 2023. Collection method: clinical testing. Allele origin: germline.
Comment: The p.S60P variant (also known as c.178T>C), located in coding exon 1 of the PALLD gene, results from a T to C substitution at nucleotide position 178. The serine at codon 60 is replaced by proline, an amino acid with similar properties. This amino acid position is conserved. In addition, this alteration is predicted to be tolerated by in silico analysis. Based on the available evidence, the clinical significance of this variant remains unclear.

NM_001166108.2(PALLD):c.178T>C (p.Ser60Pro)

Gene: PALLD (palladin, cytoskeletal associated protein; plus strand). Cytogenetic location: 4q32.3.
Variant type: single nucleotide variant.
Coding change: c.178T>C on transcript NM_001166108.2 (MANE Select); coding-DNA position 178, T replaced by C.
Protein change: p.Ser60Pro; replaces serine 60 with proline.
Molecular consequence: missense variant.
Genome position (GRCh38, 1-based): chr4:168,511,682, T>C. VCF-style: chr4-168511682-T-C. GRCh37 (hg19) VCF-style: chr4-169432833-T-C.
Other names: c.178T>C, p.Ser60Pro (NM_016081.4); short protein forms S60P.
Identifiers: ClinVar variation 3304067 (VCV003304067.1).